The following is an entry in ClinVar:

NM_004281.4(BAG3):c.1115del (p.Pro372fs)

Gene: BAG3 (BAG cochaperone 3; plus strand). Cytogenetic location: 10q26.11.
Variant type: Deletion.
Coding change: c.1115del on transcript NM_004281.4 (MANE Select); coding-DNA position 1115, one base deleted (C; older notation c.1115delC).
Protein change: p.Pro372fs; shifts the reading frame from proline 372.
Molecular consequence: frameshift variant.
Genome position (GRCh38, 1-based): chr10:119,676,669, C deleted; the last of 2 consecutive C bases (chr10:119,676,668-119,676,669); deleting either gives the same sequence. VCF-style (leftmost placement, unchanged base first): chr10-119676667-TC-T. GRCh37 (hg19) VCF-style: chr10-121436179-TC-T.
Other names: short protein forms P372fs.
Identifiers: ClinVar variation 4879787 (VCV004879787.2).

ClinVar aggregate classification (germline): Pathogenic/Likely pathogenic. Review status: criteria provided, multiple submitters, no conflicts (2 of 4 stars). 2 submissions from 2 submitters: Pathogenic (1); Likely pathogenic (1). Last evaluated 2026-02-19.

Conditions:
Dilated cardiomyopathy 1HH (CMD1HH). Identifiers: Orphanet 154, MedGen C3151293, MONDO:0013479, OMIM 613881.
BAG3-related disorder. Also called: BAG3-related condition.

Submissions (2):

Victorian Clinical Genetics Services, Murdoch Childrens Research Institute
Classification: Pathogenic for Dilated cardiomyopathy 1HH. Last evaluated: 2026-02-19. Review status: criteria provided, single submitter. Criteria: ACMG Guidelines, 2015. Collection method: clinical testing. Allele origin: germline.
Comment: This variant is classified as Pathogenic. Evidence in support of pathogenic classification: Variant is predicted to result in a truncated protein (premature termination codon is NOT located at least 54 nucleotides upstream of the final exon-exon junction) with at least 1/3 of the protein sequence affected; Variant is present in gnomAD <0.001 for a dominant condition (v4: 1 heterozygote(s), 0 homozygote(s)); Other protein truncating variant(s) comparable to the one identified in this case have very strong previous evidence for pathogenicity (DECIPHER). Additional information: This gene is associated with autosomal dominant disease; Loss of function and gain of function are known mechanisms of disease in this gene and are associated with dilated cardiomyopathy, 1HH (DCM; MIM#613881) and myofibrillar myopathy, 6 (MIM#612954). Missense variants with a gain of function effect have been reported in individuals with myopathy, whereas missense variants with a loss of function effect and variants resulting in a premature termination codon, have been reported in individuals with DCM (OMIM, PMID: 30442290); The condition associated with this gene has incomplete penetrance (PMIDs: 30442290, 33989081).

Blueprint Genetics
Classification: Likely pathogenic for BAG3-related disorders. Last evaluated: 2020-10-30. Review status: criteria provided, single submitter. Criteria: ACMG Guidelines, 2015. Collection method: clinical testing. Allele origin: germline. Affected: yes. Observed: 1 variant allele.

Literature cited by the submitters: PubMed 30442290 (cited by Victorian Clinical Genetics Services, Murdoch Childrens Research Institute); PubMed 33989081 (cited by Victorian Clinical Genetics Services, Murdoch Childrens Research Institute).